The following is an entry in ClinVar:

NM_130384.3(ATRIP):c.143C>G (p.Pro48Arg)

Genes: ATRIP (ATR interacting protein; plus strand), ATRIP-TREX1 (ATRIP-TREX1 readthrough; plus strand), LOC129936703 (ATAC-STARR-seq lymphoblastoid silent region 14331; plus strand). Cytogenetic location: 3p21.31.
Variant type: single nucleotide variant.
Coding change: c.143C>G on transcript NM_130384.3 (MANE Select); coding-DNA position 143, C replaced by G.
Protein change: p.Pro48Arg; replaces proline 48 with arginine.
Molecular consequence: missense variant. On other transcripts: non-coding transcript variant (1), intron variant (1).
Genome position (GRCh38, 1-based): chr3:48,446,988, C>G. VCF-style: chr3-48446988-C-G. GRCh37 (hg19) VCF-style: chr3-48488392-C-G.
Other names: c.143C>G, p.Pro48Arg (NM_032166.4); c.-218+189C>G (NM_001271022.2); short protein forms P48R.
Identifiers: ClinVar variation 3975755 (VCV003975755.1).

ClinVar aggregate classification (germline): Uncertain significance (1 of 4 stars; one submission).

Submission:

Ambry Genetics
Classification: Uncertain significance. Last evaluated: 2025-03-27. Review status: criteria provided, single submitter. Criteria: Ambry Variant Classification Scheme 2023. Collection method: clinical testing. Allele origin: germline.
Comment: The p.P48R variant (also known as c.143C>G), located in coding exon 1 of the ATRIP gene, results from a C to G substitution at nucleotide position 143. The proline at codon 48 is replaced by arginine, an amino acid with dissimilar properties. This amino acid position is conserved. In addition, the in silico prediction for this alteration is inconclusive. Based on the available evidence, the clinical significance of this variant remains unclear.